The following is an entry in ClinVar:

ClinVar aggregate classification (germline): Conflicting classifications of pathogenicity. Review status: criteria provided, conflicting classifications (1 of 4 stars). 2 submissions from 2 submitters: Uncertain significance (1); Likely benign (1). Last evaluated 2025-11-05.

Conditions:
Hereditary breast ovarian cancer syndrome. Also called: Hereditary breast and ovarian cancer syndrome; Breast and ovarian cancer; Hereditary breast and/or ovarian cancer syndrome; Hereditary breast and ovarian cancer; BRCA1- and BRCA2-Associated Hereditary Breast and Ovarian Cancer; Hereditary breast and ovarian cancer syndrome (HBOC). Identifiers: Orphanet 145, MedGen C0677776, MeSH D061325, MONDO:0003582. Disease mechanism: loss of function.

Allele frequency attached by ClinVar (database versions not stated): gnomAD 0.00001; TOPMed 0.00002.
gnomAD v4.1: 1 of 1,554,516 alleles (0.000064%); highest among the groups gnomAD compares: African/African-American, 0.0014%; no homozygotes.

Submissions (2):

Labcorp Genetics (formerly Invitae), Labcorp
Classification: Likely benign for Hereditary breast ovarian cancer syndrome. Last evaluated: 2025-11-05. Review status: criteria provided, single submitter. Criteria: Invitae Variant Classification Sherloc (09022015). Collection method: clinical testing. Allele origin: germline.

GeneDx
Classification: Uncertain significance. Last evaluated: 2023-06-12. Review status: criteria provided, single submitter. Criteria: GeneDx Variant Classification Process June 2021. Collection method: clinical testing. Allele origin: germline. Affected: yes.
Comment: Not observed at significant frequency in large population cohorts (gnomAD); In silico analysis supports that this variant does not alter splicing; Has not been previously published as pathogenic or benign to our knowledge; Also known as 190-8T>C

NM_000059.4(BRCA2):c.-39-8T>C

Gene: BRCA2 (BRCA2 DNA repair associated; plus strand). Cytogenetic location: 13q13.1.
Variant type: single nucleotide variant.
Coding change: c.-39-8T>C on transcript NM_000059.4 (MANE Select); 8 bases into the intron before 39 bases upstream of the start codon, T replaced by C.
Molecular consequence: intron variant.
Genome position (GRCh38, 1-based): chr13:32,316,414, T>C. VCF-style: chr13-32316414-T-C. GRCh37 (hg19) VCF-style: chr13-32890551-T-C.
Identifiers: ClinVar variation 1151616 (VCV001151616.10), dbSNP rs1268066075, ClinGen allele CA697324399.